The following is an entry in ClinVar:

ClinVar aggregate classification (germline): Uncertain significance (1 of 4 stars; one submission).

Submission:

Dasa
Classification: Uncertain significance. Last evaluated: 2025-04-01. Review status: criteria provided, single submitter. Criteria: DASA Assertion Criteria. Collection method: clinical testing. Allele origin: germline.
Comment: NM_000219.6(KCNE1):c.112A>C (p.Ser38Arg) is a missense variant that results in the substitution of serine with arginine. The affected residue or protein region has prior evidence supporting clinical relevance. This variant is rare in population databases. The currently available literature and clinical evidence are not sufficient to establish a definitive association between this variant and the reported condition. Therefore, this variant is classified as a variant of uncertain significance.

NM_000219.6(KCNE1):c.112A>C (p.Ser38Arg)

Gene: KCNE1 (potassium voltage-gated channel subfamily E regulatory subunit 1; minus strand). Cytogenetic location: 21q22.12.
Variant type: single nucleotide variant.
Coding change: c.112A>C on transcript NM_000219.6 (MANE Select); coding-DNA position 112, A replaced by C.
Protein change: p.Ser38Arg; replaces serine 38 with arginine.
Molecular consequence: missense variant.
Genome position (GRCh38, 1-based): chr21:34,449,523, T>G on the plus strand (A>C on the coding strand, the complement: KCNE1 is on the minus strand). VCF-style: chr21-34449523-T-G. GRCh37 (hg19) VCF-style: chr21-35821821-T-G.
Other names: c.112A>C, p.Ser38Arg (NM_001127668.4, NM_001127669.4, NM_001127670.4 and 4 more transcripts); short protein forms S38R.
Identifiers: ClinVar variation 4883764 (VCV004883764.2).
Genomic context (GRCh38, chr21:34,449,523, plus strand): 5'-TGAAGAAGCCGAAGAATCCCAGTACCATGAGGACGTAGAGGGCCTCCAGCTTGCCGTCAC[T>G]GCTGCGGGGGGACCTGCGGGCCAGGCCCGACATGTTGCCACCCTGCTGAACTGTCTCCTG-3'
Protein context (NP_000210.2, residues 28-48): SGLARRSPRS[Ser38Arg]DGKLEALYVL